The following is an entry in ClinVar:

ClinVar aggregate classification (germline): Uncertain significance (1 of 4 stars; one submission).

Allele frequency attached by ClinVar (database versions not stated): gnomAD 0.00001.
gnomAD v4.1: 7 of 1,587,790 alleles (0.00044%); highest among the groups gnomAD compares: Admixed American, 0.0054%; no homozygotes.

Submission:

Labcorp Genetics (formerly Invitae), Labcorp
Classification: Uncertain significance. Last evaluated: 2023-03-08. Review status: criteria provided, single submitter. Criteria: Invitae Variant Classification Sherloc (09022015). Collection method: clinical testing. Allele origin: germline.
Comment: An algorithm developed to predict the effect of missense changes on protein structure and function (PolyPhen-2) suggests that this variant is likely to be disruptive. This variant has not been reported in the literature in individuals affected with LEMD3-related conditions. This variant is present in population databases (rs774353434, gnomAD 0.005%). This sequence change replaces alanine, which is neutral and non-polar, with valine, which is neutral and non-polar, at codon 6 of the LEMD3 protein (p.Ala6Val). In summary, the available evidence is currently insufficient to determine the role of this variant in disease. Therefore, it has been classified as a Variant of Uncertain Significance.

NM_014319.5(LEMD3):c.17C>T (p.Ala6Val)

Gene: LEMD3 (LEM domain containing 3; plus strand). Cytogenetic location: 12q14.3.
Variant type: single nucleotide variant.
Coding change: c.17C>T on transcript NM_014319.5 (MANE Select); coding-DNA position 17, C replaced by T.
Protein change: p.Ala6Val; replaces alanine 6 with valine.
Molecular consequence: missense variant.
Genome position (GRCh38, 1-based): chr12:65,169,613, C>T. VCF-style: chr12-65169613-C-T. GRCh37 (hg19) VCF-style: chr12-65563393-C-T.
Other names: c.17C>T, p.Ala6Val (NM_001167614.2); short protein forms A6V.
Identifiers: ClinVar variation 2872282 (VCV002872282.3), dbSNP rs774353434, ClinGen allele CA6670650.